The following is an entry in ClinVar:

NM_015001.3(SPEN):c.10500A>G (p.Gln3500=)

Gene: SPEN (spen family transcriptional repressor; plus strand). Cytogenetic location: 1p36.13.
Variant type: single nucleotide variant.
Coding change: c.10500A>G on transcript NM_015001.3 (MANE Select); coding-DNA position 10500, A replaced by G.
Protein change: p.Gln3500=; no amino-acid change (glutamine 3500 retained).
Molecular consequence: synonymous variant.
Genome position (GRCh38, 1-based): chr1:15,937,636, A>G. VCF-style: chr1-15937636-A-G. GRCh37 (hg19) VCF-style: chr1-16264131-A-G.
Identifiers: ClinVar variation 4822139 (VCV004822139.4).

ClinVar aggregate classification (germline): Likely benign (1 of 4 stars; one submission).

gnomAD v4.1: 18 of 1,612,430 alleles (0.0011%); highest among the groups gnomAD compares: Admixed American, 0.0017%; no homozygotes.

Submission:

CeGaT Center for Human Genetics Tuebingen
Classification: Likely benign. Last evaluated: 2026-01-01. Review status: criteria provided, single submitter. Criteria: CeGaT Center For Human Genetics Tuebingen Variant Classification Criteria Version 2. Collection method: clinical testing. Allele origin: germline. Affected: yes. Observed: 1 variant allele.
Comment: SPEN: BP4, BP7